The following is an entry in ClinVar:

NM_001148.6(ANK2):c.*843C>T

Gene: ANK2 (ankyrin 2; plus strand). Cytogenetic location: 4q26.
Variant type: single nucleotide variant.
Coding change: c.*843C>T on transcript NM_001148.6 (MANE Select); 843 bases downstream of the stop codon, C replaced by T.
Molecular consequence: 3 prime UTR variant.
Genome position (GRCh38, 1-based): chr4:113,382,314, C>T. VCF-style: chr4-113382314-C-T. GRCh37 (hg19) VCF-style: chr4-114303470-C-T.
Other names: c.*843C>T (NM_001127493.3, NM_001354225.2, NM_001354228.2 and 67 more transcripts); c.*674C>T (NM_001386174.1, NM_001386175.1).
Identifiers: ClinVar variation 899521 (VCV000899521.4), dbSNP rs189421233, ClinGen allele CA103831495.

ClinVar aggregate classification (germline): Likely benign (1 of 4 stars; one submission).

Conditions:
Cardiac arrhythmia, ankyrin-B-related. Also called: ANKYRIN-B SYNDROME. Identifiers: Orphanet 101016, Orphanet 768, MedGen C1970119, MONDO:0010958, OMIM 600919.

Allele frequency attached by ClinVar (database versions not stated): gnomAD 0.00019 and 0.00020; TOPMed 0.00023; 1000 Genomes Project 30x 0.00031; 1000 Genomes Project 0.00040.

Submission:

Illumina Laboratory Services, Illumina
Classification: Likely benign for Cardiac arrhythmia, ankyrin-B-related. Last evaluated: 2018-01-13. Review status: criteria provided, single submitter. Criteria: ICSL Variant Classification Criteria 13 December 2019. Collection method: clinical testing. Allele origin: germline.
Comment: This variant was observed in the ICSL laboratory as part of a predisposition screen in an ostensibly healthy population. It had not been previously curated by ICSL or reported in the Human Gene Mutation Database (HGMD: prior to June 1st, 2018), and was therefore a candidate for classification through an automated scoring system. Utilizing variant allele frequency, disease prevalence and penetrance estimates, and inheritance mode, an automated score was calculated to assess if this variant is too frequent to cause the disease. Based on the score and internal cut-off values, a variant classified as likely benign is not then subjected to further curation. The score for this variant resulted in a classification of likely benign for this disease.